The following is an entry in ClinVar:

NM_173353.4(TPH2):c.*479G>A

Gene: TPH2 (tryptophan hydroxylase 2; plus strand). Cytogenetic location: 12q21.1.
Variant type: single nucleotide variant.
Coding change: c.*479G>A on transcript NM_173353.4 (MANE Select); 479 bases downstream of the stop codon, G replaced by A.
Molecular consequence: 3 prime UTR variant.
Genome position (GRCh38, 1-based): chr12:72,032,174, G>A. VCF-style: chr12-72032174-G-A. GRCh37 (hg19) VCF-style: chr12-72425954-G-A.
Identifiers: ClinVar variation 310397 (VCV000310397.6), dbSNP rs17110747, ClinGen allele CA10633543.

ClinVar aggregate classification (germline): Benign. Review status: criteria provided, multiple submitters, no conflicts (2 of 4 stars). 2 submissions from 2 submitters: Benign (2). Last evaluated 2018-01-13.

Conditions:
Tryptophan 5-monooxygenase deficiency. Identifiers: MedGen CN120491.

Allele frequency attached by ClinVar (database versions not stated): gnomAD 0.11864 and 0.12297; TOPMed 0.12030; 1000 Genomes Project 30x 0.14272; 1000 Genomes Project 0.14537.
gnomAD v4.1: 22,303 of 174,672 alleles (13%); highest among the groups gnomAD compares: East Asian, 25%; 1,825 homozygotes.

Submissions (2):

Illumina Laboratory Services, Illumina
Classification: Benign for Tryptophan 5-monooxygenase deficiency. Last evaluated: 2018-01-13. Review status: criteria provided, single submitter. Criteria: ICSL Variant Classification Criteria 13 December 2019. Collection method: clinical testing. Allele origin: germline.
Comment: This variant was observed in the ICSL laboratory as part of a predisposition screen in an ostensibly healthy population. It had not been previously curated by ICSL or reported in the Human Gene Mutation Database (HGMD: prior to June 1st, 2018), and was therefore a candidate for classification through an automated scoring system. Utilizing variant allele frequency, disease prevalence and penetrance estimates, and inheritance mode, an automated score was calculated to assess if this variant is too frequent to cause the disease. Based on the score and internal cut-off values, a variant classified as benign is not then subjected to further curation. The score for this variant resulted in a classification of benign for this disease.

Breakthrough Genomics
Classification: Benign. Review status: criteria provided, single submitter. Criteria: ACMG Guidelines, 2015. Collection method: not provided. Allele origin: germline. Inheritance: Unknown mechanism. Affected: yes.